The following is an entry in ClinVar:

ClinVar aggregate classification (germline): Conflicting classifications of pathogenicity. Review status: criteria provided, conflicting classifications (1 of 4 stars). 3 submissions from 3 submitters: Likely pathogenic (2); Uncertain significance (1). Last evaluated 2024-07-25.

Conditions:
Hereditary cancer-predisposing syndrome. Also called: Neoplastic Syndromes, Hereditary; Tumor predisposition; Hereditary neoplastic syndrome; Hereditary Cancer Syndrome. Identifiers: Orphanet 140162, MedGen C0027672, MeSH D009386, MONDO:0015356.
Neurofibromatosis, type 2 (SWNV). Also called: BILATERAL ACOUSTIC NEUROFIBROMATOSIS; SCHWANNOMATOSIS, VESTIBULAR; NF2-Related Schwannomatosis. Identifiers: Orphanet 637, MedGen C0027832, MONDO:0007039, OMIM 101000. Disease mechanism: loss of function.

Submissions (3):

Ambry Genetics
Classification: Likely pathogenic for Hereditary cancer-predisposing syndrome. Last evaluated: 2024-07-25. Review status: criteria provided, single submitter. Criteria: Ambry Variant Classification Scheme 2023. Collection method: clinical testing. Allele origin: germline.
Comment: The c.240G>A variant (also known as p.K80K), located in coding exon 2 of the NF2 gene, results from a G to A substitution at nucleotide position 240. This nucleotide substitution does not change the lysine at codon 80. However, this change occurs in the last base pair of coding exon 2, which makes it likely to have some effect on normal mRNA splicing. In silico splice site analysis predicts that this alteration will weaken the native splice donor site. The resulting transcript is predicted to be in-frame and is not expected to trigger nonsense-mediated mRNAdecay; however, direct evidence is unavailable. The exact functional effect of the altered amino acid sequence is unknown; however, the impacted region is critical for protein function (Ambry internal data). Based on internal structural analysis, the altered sequence disrupts the IP3 binding site in the FERM domain (Hamada K et al. EMBO J, 2000 Sep;19:4449-62; Stokowski RP et al. Am J Hum Genet, 2000 Mar;66:873-91; Shimizu T et al. J Biol Chem, 2002 Mar;277:10332-6; Li Y et al. Cell Res, 2015 Jul;25:801-17). This alteration has been observed in at least one individual with a personal and/or family history that is consistent with neurofibromatosis type 2 (NF2) (Ambry internal data). This variant is considered to be rare based on population cohorts in the Genome Aggregation Database (gnomAD). This nucleotide position is highly conserved in available vertebrate species. Based on the majority of available evidence to date, this variant is likely to be pathogenic.

Labcorp Genetics (formerly Invitae), Labcorp
Classification: Uncertain significance for Neurofibromatosis, type 2. Last evaluated: 2022-04-03. Review status: criteria provided, single submitter. Criteria: Invitae Variant Classification Sherloc (09022015). Collection method: clinical testing. Allele origin: germline.
Comment: This sequence change affects codon 80 of the NF2 mRNA. It is a 'silent' change, meaning that it does not change the encoded amino acid sequence of the NF2 protein. This variant also falls at the last nucleotide of exon 2, which is part of the consensus splice site for this exon. This variant is not present in population databases (gnomAD no frequency). This variant has not been reported in the literature in individuals affected with NF2-related conditions. ClinVar contains an entry for this variant (Variation ID: 451710). Variants that disrupt the consensus splice site are a relatively common cause of aberrant splicing (PMID: 17576681, 9536098). Algorithms developed to predict the effect of sequence changes on RNA splicing suggest that this variant may disrupt the consensus splice site. In summary, the available evidence is currently insufficient to determine the role of this variant in disease. Therefore, it has been classified as a Variant of Uncertain Significance.

GeneDx
Classification: Likely pathogenic. Last evaluated: 2021-08-13. Review status: criteria provided, single submitter. Criteria: GeneDx Variant Classification Process June 2021. Collection method: clinical testing. Allele origin: germline. Affected: yes.
Comment: Not observed at significant frequency in large population cohorts (Lek 2016); Located at the last nucleotide of the exon and predicted to result in abnormal splicing leading to an in-frame deletion of exon 2; Has not been previously published as pathogenic or benign to our knowledge

Literature cited by the submitters: PubMed 10712203 (cited by Ambry Genetics); PubMed 10970839 (cited by Ambry Genetics); PubMed 11756419 (cited by Ambry Genetics); PubMed 26045165 (cited by Ambry Genetics); PubMed 17576681 (cited by Labcorp Genetics (formerly Invitae), Labcorp); PubMed 9536098 (cited by Labcorp Genetics (formerly Invitae), Labcorp).

NM_000268.4(NF2):c.240G>A (p.Lys80=)

Gene: NF2 (NF2, moesin-ezrin-radixin like (MERLIN) tumor suppressor; plus strand). Cytogenetic location: 22q12.2.
Variant type: single nucleotide variant.
Coding change: c.240G>A on transcript NM_000268.4 (MANE Select); coding-DNA position 240, G replaced by A.
Protein change: p.Lys80=; no amino-acid change (lysine 80 retained).
Molecular consequence: synonymous variant. On other transcripts: non-coding transcript variant (1), intron variant (3).
Genome position (GRCh38, 1-based): chr22:29,636,876, G>A. VCF-style: chr22-29636876-G-A. GRCh37 (hg19) VCF-style: chr22-30032865-G-A.
Other names: c.240G>A, p.Lys80= (NM_016418.5, NM_181825.3, NM_181829.3 and 2 more transcripts); c.115-2214G>A (NM_181828.3); c.115-5326G>A (NM_181830.3, NM_181831.3).
Identifiers: ClinVar variation 451710 (VCV000451710.12), dbSNP rs1555986950, ClinGen allele CA514191342.